The following is an entry in ClinVar:

NM_000465.4(BARD1):c.567A>G (p.Ala189=)

Gene: BARD1 (BRCA1 associated RING domain 1; minus strand). Cytogenetic location: 2q35.
Variant type: single nucleotide variant.
Coding change: c.567A>G on transcript NM_000465.4 (MANE Select); coding-DNA position 567, A replaced by G.
Protein change: p.Ala189=; no amino-acid change (alanine 189 retained).
Molecular consequence: synonymous variant. On other transcripts: non-coding transcript variant (2), intron variant (3).
Genome position (GRCh38, 1-based): chr2:214,781,307, T>C on the plus strand (A>G on the coding strand, the complement: BARD1 is on the minus strand). VCF-style: chr2-214781307-T-C. GRCh37 (hg19) VCF-style: chr2-215646031-T-C.
Other names: c.510A>G, p.Ala170= (NM_001282543.2); c.158+28105A>G (NM_001282548.2); c.215+15754A>G (NM_001282545.2); c.364+10990A>G (NM_001282549.2).
Identifiers: ClinVar variation 530226 (VCV000530226.13), dbSNP rs878854015, ClinGen allele CA431391954.

ClinVar aggregate classification (germline): Benign/Likely benign. Review status: criteria provided, multiple submitters, no conflicts (2 of 4 stars). 3 submissions from 3 submitters: Benign (1); Likely benign (2). Last evaluated 2024-07-22.

Conditions:
Hereditary cancer-predisposing syndrome. Also called: Hereditary neoplastic syndrome; Neoplastic Syndromes, Hereditary; Hereditary Cancer Syndrome; Tumor predisposition. Identifiers: Orphanet 140162, MedGen C0027672, MeSH D009386, MONDO:0015356.
Familial cancer of breast. Also called: BREAST CANCER, FAMILIAL; Hereditary breast cancer; hereditary breast carcinoma. Identifiers: Orphanet 227535, MedGen C0346153, MONDO:0016419, OMIM 114480. Disease mechanism: loss of function.

gnomAD v4.1: 1 of 1,611,752 alleles (0.000062%); highest among the groups gnomAD compares: Non-Finnish European, 0.000085%; no homozygotes.

Submissions (3):

Myriad Genetics, Inc.
Classification: Benign for Familial cancer of breast. Last evaluated: 2024-07-22. Review status: criteria provided, single submitter. Criteria: Myriad Autosomal Dominant, Autosomal Recessive and X-Linked Classification Criteria (2023). Collection method: clinical testing. Allele origin: unknown.
Comment: This variant is considered benign. This variant is a silent/synonymous amino acid change and it is not expected to impact splicing.

Color Diagnostics, LLC DBA Color Health
Classification: Likely benign for Hereditary cancer-predisposing syndrome. Last evaluated: 2021-07-26. Review status: criteria provided, single submitter. Criteria: ACMG Guidelines, 2015. Collection method: clinical testing. Allele origin: germline.

Labcorp Genetics (formerly Invitae), Labcorp
Classification: Likely benign for Familial cancer of breast. Last evaluated: 2017-10-17. Review status: criteria provided, single submitter. Criteria: Invitae Variant Classification Sherloc (09022015). Collection method: clinical testing. Allele origin: germline.